The following is an entry in ClinVar:

ClinVar aggregate classification (germline): Uncertain significance (1 of 4 stars; one submission).

gnomAD v4.1: 13 of 1,613,616 alleles (0.00081%); highest among the groups gnomAD compares: Non-Finnish European, 0.0011%; no homozygotes.

Submission:

Ambry Genetics
Classification: Uncertain significance. Last evaluated: 2024-11-26. Review status: criteria provided, single submitter. Criteria: Ambry Variant Classification Scheme 2023. Collection method: clinical testing. Allele origin: germline.
Comment: The p.S702R variant (also known as c.2106T>G), located in coding exon 13 of the GEN1 gene, results from a T to G substitution at nucleotide position 2106. The serine at codon 702 is replaced by arginine, an amino acid with dissimilar properties. This amino acid position is conserved. In addition, this alteration is predicted to be tolerated by in silico analysis. Based on the available evidence, the clinical significance of this variant remains unclear.

NM_001130009.3(GEN1):c.2106T>G (p.Ser702Arg)

Gene: GEN1 (GEN1 Holliday junction 5' flap endonuclease; plus strand). Cytogenetic location: 2p24.2.
Variant type: single nucleotide variant.
Coding change: c.2106T>G on transcript NM_001130009.3 (MANE Select); coding-DNA position 2106, T replaced by G.
Protein change: p.Ser702Arg; replaces serine 702 with arginine.
Molecular consequence: missense variant.
Genome position (GRCh38, 1-based): chr2:17,781,318, T>G. VCF-style: chr2-17781318-T-G. GRCh37 (hg19) VCF-style: chr2-17962585-T-G.
Other names: c.2106T>G, p.Ser702Arg (NM_182625.5); short protein forms S702R.
Identifiers: ClinVar variation 3519749 (VCV003519749.1).
Genomic context (GRCh38, chr2:17,781,318, plus strand): 5'-ATCATATCCTCAGGATAATCTACAACCAGATGTCAACCTGAAAACTTTGTCCATACTTAG[T>G]GTAAAAGAATCTTGTATTGCTAACAGTGGTTCTGATTGTACATCACATCTTTCAAAGGAT-3'
Protein context (NP_001123481.3, residues 692-712): DVNLKTLSIL[Ser702Arg]VKESCIANSG